The following is an entry in ClinVar:

NM_138694.4(PKHD1):c.11785+1_11785+35del

Gene: PKHD1 (PKHD1 ciliary IPT domain containing fibrocystin/polyductin; minus strand). Cytogenetic location: 6p12.3.
Variant type: Deletion.
Coding change: c.11785+1_11785+35del on transcript NM_138694.4 (MANE Select); the canonical splice donor site of the intron after coding-DNA position 11785 through 35 bases into the intron after coding-DNA position 11785, 35 bases deleted.
Molecular consequence: splice donor variant.
Genome position (GRCh38, 1-based): chr6:51,626,962-51,626,996, 35 bases deleted; deleting any 35 consecutive bases within chr6:51,626,962-51,626,998 gives the same sequence; the c. name uses the placement nearest the transcript's 3' end. GRCh37 (hg19): chr6:51,491,762-51,491,796.
Other names: c.11785+1_11785+35delGTAAGCTTGGAGGGTGGAGATGATCCCCACAGGAG (NM_138694.3).
Identifiers: ClinVar variation 598048 (VCV000598048.10), dbSNP rs761547193, ClinGen allele CA3850699.

ClinVar aggregate classification (germline): Conflicting classifications of pathogenicity. Review status: criteria provided, conflicting classifications (1 of 4 stars). 4 submissions from 4 submitters: Likely pathogenic (2); Uncertain significance (2). Last evaluated 2026-03-09.

Conditions:
Autosomal recessive polycystic kidney disease (ARPKD). Also called: AR polycystic kidney disease. Identifiers: Orphanet 731, Orphanet 8378, MedGen C0085548, MeSH D017044, MONDO:0009889.
Polycystic kidney disease 4 (PKD4). Also called: PKD3; POLYCYSTIC KIDNEY DISEASE 4 WITH OR WITHOUT POLYCYSTIC LIVER DISEASE; Autosomal Recessive Polycystic Kidney Disease – PKHD1; POLYCYSTIC KIDNEY AND HEPATIC DISEASE 1; POLYCYSTIC KIDNEY DISEASE, INFANTILE, TYPE I. Identifiers: MedGen C4540575, MONDO:0033004, OMIM 263200.

Submissions (4):

GeneDx
Classification: Likely pathogenic. Last evaluated: 2026-03-09. Review status: criteria provided, single submitter. Criteria: GeneDx Variant Classification Process June 2021. Collection method: clinical testing. Allele origin: germline.
Comment: Canonical splice site variant predicted to result in an in-frame loss of the adjacent exon in a gene for which loss of function is a known mechanism of disease; Not observed at significant frequency in large population cohorts (gnomAD); Has not been previously published as pathogenic or benign to our knowledge

Natera, Inc.
Classification: Likely pathogenic for Autosomal recessive polycystic kidney disease. Last evaluated: 2025-11-17. Review status: criteria provided, single submitter. Criteria: Natera Variant Classification Schema (03/2026). Collection method: clinical testing. Allele origin: germline.
Comment: The c.11785+1_11785+35delGTAAGCTTGGAGGGTGGAGATGATCCCCACAGGAG variant in PKHD1 is a canonical splice donor site variant predicted to affect pre-mRNA splicing, which may result in an abnormal transcript and altered protein product. This variant is expected to result in nonsense mediated decay, truncation, or a dysfunctional protein product. This variant is rare in the general population with a frequency below the threshold expected for the associated phenotype(s). Given the available evidence, this variant is classified as Likely Pathogenic.

Baylor Genetics
Classification: Uncertain significance for Polycystic kidney disease 4. Last evaluated: 2024-01-30. Review status: criteria provided, single submitter. Criteria: ACMG Guidelines, 2015. Collection method: clinical testing. Allele origin: unknown.

Eurofins Ntd Llc (ga)
Classification: Uncertain significance. Last evaluated: 2018-07-23. Review status: criteria provided, single submitter. Criteria: EGL ClinVar v180209 classification definitions. Collection method: clinical testing. Allele origin: germline. Observed: 1 variant allele, 1 heterozygote.